The following is an entry in ClinVar:

NM_024334.3(TMEM43):c.813G>A (p.Gln271=)

Gene: TMEM43 (transmembrane protein 43; plus strand). Cytogenetic location: 3p25.1.
Variant type: single nucleotide variant.
Coding change: c.813G>A on transcript NM_024334.3 (MANE Select); coding-DNA position 813, G replaced by A.
Protein change: p.Gln271=; no amino-acid change (glutamine 271 retained).
Molecular consequence: synonymous variant.
Genome position (GRCh38, 1-based): chr3:14,135,839, G>A. VCF-style: chr3-14135839-G-A. GRCh37 (hg19) VCF-style: chr3-14177339-G-A.
Other names: c.816G>A, p.Gln272= (NM_001407274.1); c.810G>A, p.Gln270= (NM_001407275.1, NM_001407277.1); c.813G>A, p.Gln271= (NM_001407276.1); c.798G>A, p.Gln266= (NM_001407278.1); c.738G>A, p.Gln246= (NM_001407279.1); c.663G>A, p.Gln221= (NM_001407280.1).
Identifiers: ClinVar variation 2186078 (VCV002186078.5), dbSNP rs774860013, ClinGen allele CA055663.

ClinVar aggregate classification (germline): Likely benign. Review status: criteria provided, multiple submitters, no conflicts (2 of 4 stars). 2 submissions from 2 submitters: Likely benign (2). Last evaluated 2024-02-26.

Conditions:
Arrhythmogenic right ventricular dysplasia 5. Also called: Arrhythmogenic Right Ventricular Dysplasia/Cardiomyopathy 5; ARRHYTHMOGENIC RIGHT VENTRICULAR DYSPLASIA, FAMILIAL, 5. Identifiers: MedGen C1858379, MONDO:0011459, OMIM 604400.

Allele frequency attached by ClinVar (database versions not stated): gnomAD exomes below 0.00001; TOPMed below 0.00001; ExAC 0.00001.
gnomAD v4.1: 6 of 1,613,806 alleles (0.00037%); highest among the groups gnomAD compares: Non-Finnish European, 0.00051%; no homozygotes.

Submissions (2):

Labcorp Genetics (formerly Invitae), Labcorp
Classification: Likely benign for Arrhythmogenic right ventricular dysplasia 5. Last evaluated: 2024-02-26. Review status: criteria provided, single submitter. Criteria: Invitae Variant Classification Sherloc (09022015). Collection method: clinical testing. Allele origin: germline.

All of Us Research Program, National Institutes of Health
Classification: Likely benign for Arrhythmogenic right ventricular dysplasia 5. Last evaluated: 2023-07-10. Review status: criteria provided, single submitter. Criteria: ACMG Guidelines, 2015. Collection method: clinical testing. Allele origin: germline. Inheritance: Autosomal dominant inheritance. Observed: 2 variant alleles, 2 heterozygotes.
Comment: This study involves interpretation of variants in research participants for the purpose of population health screening. Participant phenotype was not available at the time of variant classification. Additional details can be found in publication PMID: 35346344, PMCID: PMC8962531